The following is an entry in ClinVar:

NM_001270974.2(HYDIN):c.1328-11T>A

Gene: HYDIN (HYDIN axonemal central pair apparatus protein; minus strand). Cytogenetic location: 16q22.2.
Variant type: single nucleotide variant.
Coding change: c.1328-11T>A on transcript NM_001270974.2 (MANE Select); 11 bases into the intron before coding-DNA position 1328, T replaced by A.
Molecular consequence: intron variant.
Genome position (GRCh38, 1-based): chr16:71,093,946, A>T on the plus strand (T>A on the coding strand, the complement: HYDIN is on the minus strand). VCF-style: chr16-71093946-A-T. GRCh37 (hg19) VCF-style: chr16-71127849-A-T.
Other names: c.1328-11T>A (NM_017558.5); c.1379-11T>A (NM_001198543.1); c.1409-11T>A (NM_001198542.1).
Identifiers: ClinVar variation 3778518 (VCV003778518.7).

ClinVar aggregate classification (germline): Uncertain significance (1 of 4 stars; one submission).

Submission:

CeGaT Center for Human Genetics Tuebingen
Classification: Uncertain significance. Last evaluated: 2025-03-01. Review status: criteria provided, single submitter. Criteria: CeGaT Center For Human Genetics Tuebingen Variant Classification Criteria Version 2. Collection method: clinical testing. Allele origin: germline. Affected: yes. Observed: 1 variant allele.
Comment: HYDIN: PM2